The following is an entry in ClinVar:

ClinVar aggregate classification (germline): Benign/Likely benign. Review status: criteria provided, multiple submitters, no conflicts (2 of 4 stars). 23 submissions from 23 submitters: Benign (14); Likely benign (2). 7 of the submissions do not count toward it. Last evaluated 2026-02-04.

Conditions:
Gastric cancer. Also called: Stomach cancer; Malignant tumor of stomach. Identifiers: MedGen C0024623, MeSH D013274, MONDO:0001056, OMIM 613659, HP:0012126.
Familial adenomatous polyposis 2. Also called: COLORECTAL ADENOMATOUS POLYPOSIS, AUTOSOMAL RECESSIVE; ADENOMAS, MULTIPLE COLORECTAL, AUTOSOMAL RECESSIVE; FAP type 2; MUTYH-associated polyposis; MYH-associated polyposis; MUTYH-related attenuated familial adenomatous polyposis. Identifiers: Orphanet 220460, Orphanet 247798, MedGen C3272841, MONDO:0012041, OMIM 608456.
Hereditary cancer-predisposing syndrome. Also called: Hereditary Cancer Syndrome; Tumor predisposition; Neoplastic Syndromes, Hereditary; Hereditary neoplastic syndrome. Identifiers: Orphanet 140162, MedGen C0027672, MeSH D009386, MONDO:0015356.
Carcinoma of colon (CRC). Also called: Colonic carcinoma; Colon carcinoma. Identifiers: MedGen C0699790, MONDO:0002032.

Allele frequency attached by ClinVar (database versions not stated): gnomAD 0.01036 and 0.01092; TOPMed 0.01125; 1000 Genomes Project 30x 0.01374; 1000 Genomes Project 0.01338; ESP Exome Variant Server 0.01238.
gnomAD v4.1: 3,022 of 1,614,114 alleles (0.19%); highest among the groups gnomAD compares: African/African-American, 3.5%; 47 homozygotes.

Submissions (23):

Labcorp Genetics (formerly Invitae), Labcorp
Classification: Benign for Familial adenomatous polyposis 2. Last evaluated: 2026-02-04. Review status: criteria provided, single submitter. Criteria: Invitae Variant Classification Sherloc (09022015). Collection method: clinical testing. Allele origin: germline.

Mayo Clinic Laboratories, Mayo Clinic
Classification: Benign. Last evaluated: 2025-07-23. Review status: criteria provided, single submitter. Criteria: ACMG Guidelines, 2015. Collection method: clinical testing. Allele origin: germline. Observed: 1 variant allele.
Comment: BA1, BP4_moderate

ARUP Laboratories, Molecular Genetics and Genomics, ARUP Laboratories
Classification: Benign. Last evaluated: 2025-05-19. Review status: criteria provided, single submitter. Criteria: ARUP Molecular Germline Variant Investigation Process 2024. Collection method: clinical testing. Allele origin: germline.

Center for Genomic Medicine, Rigshospitalet, Copenhagen University Hospital
Classification: Benign. Last evaluated: 2025-03-04. Review status: criteria provided, single submitter. Criteria: ACMG Guidelines, 2015. Collection method: clinical testing. Allele origin: germline.

Color Diagnostics, LLC DBA Color Health
Classification: Benign for Hereditary cancer-predisposing syndrome. Last evaluated: 2024-09-19. Review status: criteria provided, single submitter. Criteria: ACMG Guidelines, 2015. Collection method: clinical testing. Allele origin: germline.

Institute for Biomarker Research, Medical Diagnostic Laboratories, L.L.C.
Classification: Benign for Hereditary cancer-predisposing syndrome. Last evaluated: 2023-05-16. Review status: criteria provided, single submitter. Criteria: ACMG Guidelines, 2015. Collection method: clinical testing. Allele origin: germline.

Quest Diagnostics Nichols Institute San Juan Capistrano
Classification: Benign. Last evaluated: 2022-06-30. Review status: criteria provided, single submitter. Criteria: Quest Diagnostics criteria. Collection method: clinical testing. Allele origin: unknown.

Fulgent Genetics
Classification: Likely benign for Familial adenomatous polyposis 2; Gastric cancer. Last evaluated: 2021-12-22. Review status: criteria provided, single submitter. Criteria: ACMG Guidelines, 2015. Collection method: clinical testing. Allele origin: unknown.

Sema4
Classification: Benign for Hereditary cancer-predisposing syndrome. Last evaluated: 2021-05-30. Review status: criteria provided, single submitter. Criteria: Sema4 Curation Guidelines. Collection method: curation. Allele origin: germline.

Women's Health and Genetics/Laboratory Corporation of America, LabCorp
Classification: Benign. Last evaluated: 2019-10-21. Review status: criteria provided, single submitter. Criteria: LabCorp Variant Classification Summary - May 2015. Collection method: clinical testing. Allele origin: germline.
Comment: Variant summary: MUTYH c.1601G>A (p.Arg534Gln) results in a conservative amino acid change in the encoded protein sequence. Five of five in-silico tools predict a benign effect of the variant on protein function. The variant allele was found at a frequency of 0.0027 in 252838 control chromosomes, predominantly at a frequency of 0.038 within the African or African-American subpopulation in the gnomAD database, including 8 homozygotes. The observed variant frequency within African or African-American control individuals in the gnomAD database is approximately 8-fold the estimated maximal pathogenioc allele frequency expected for a variant in MUTYH causing MUTYH-associated Polyposis phenotype (0.0046), strongly suggesting that the variant is a benign polymorphism found primarily in populations of African or African-American origin. c.1601G>A has been reported in the literature in individuals affected with lung cancer (e.g. Fleischmann_2004) and colorectal adenoma (e.g. Olschwang_2007) without storng evidence for causality. These reports do not provide unequivocal conclusions about association of the variant with MUTYH-associated Polyposis. Co-occurrences with other pathogenic variants have been reported (BRCA1 c.5177_5180delGAAA, MLH1 c.677G>A, PALB2 c.172_175delTTGT; all internal LCA samples), providing supporting evidence for a benign role. Several publications evaluating the variant's impact on protein function report conflicting results (Brinkmeyer_2015, Komine_2015). Six other clinical diagnostic laboratories have submitted clinical-significance assessments for this variant to ClinVar after 2014 without evidence for independent evaluation. All laboratories classified the variant as benign/likely benign. Based on the evidence outlined above, the variant was classified as benign.

Eurofins Ntd Llc (ga)
Classification: Benign. Last evaluated: 2018-03-09. Review status: criteria provided, single submitter. Criteria: EGL ClinVar v180209 classification definitions. Collection method: clinical testing. Allele origin: germline. Observed: 1 variant allele, 1 heterozygote.

Illumina Laboratory Services, Illumina
Classification: Benign for Familial adenomatous polyposis 2. Last evaluated: 2018-01-31. Review status: criteria provided, single submitter. Criteria: ICSL Variant Classification Criteria 13 December 2019. Collection method: clinical testing. Allele origin: germline.
Comment: This variant was observed as part of a predisposition screen in an ostensibly healthy population. A literature search was performed for the gene, cDNA change, and amino acid change (where applicable). No publications were found based on this search. Allele frequency data from public databases was too high to be consistent with this variant causing disease. Therefore, this variant is classified as benign.

PreventionGenetics, part of Exact Sciences
Classification: Benign. Last evaluated: 2017-01-17. Review status: criteria provided, single submitter. Criteria: ACMG Guidelines, 2015. Collection method: clinical testing. Allele origin: germline.

Ambry Genetics
Classification: Benign for Hereditary cancer-predisposing syndrome. Last evaluated: 2014-11-21. Review status: criteria provided, single submitter. Criteria: Ambry Variant Classification Scheme 2023. Collection method: clinical testing. Allele origin: germline.

GeneDx
Classification: Benign. Last evaluated: 2013-12-30. Review status: criteria provided, single submitter. Criteria: GeneDx Variant Classification (06012015). Collection method: clinical testing. Allele origin: germline. Affected: yes.
Comment: This variant is considered likely benign or benign based on one or more of the following criteria: it is a conservative change, it occurs at a poorly conserved position in the protein, it is predicted to be benign by multiple in silico algorithms, and/or has population frequency not consistent with disease.

Breakthrough Genomics
Classification: Likely benign. Review status: criteria provided, single submitter. Criteria: ACMG Guidelines, 2015. Collection method: not provided. Allele origin: germline. Inheritance: Autosomal recessive inheritance. Affected: yes.

True Health Diagnostics
Classification: Likely benign for Hereditary cancer-predisposing syndrome. Last evaluated: 2018-11-16. Review status: no assertion criteria provided. Collection method: clinical testing. Allele origin: germline. Not counted in ClinVar's aggregate classification.

ITMI
No classification provided. Condition: AllHighlyPenetrant. Last evaluated: 2013-09-19. Review status: no classification provided. Collection method: reference population. Allele origin: germline. Not counted in ClinVar's aggregate classification.
Comment: Please see associated publication for description of ethnicities

Biesecker Lab/Clinical Genomics Section, National Institutes of Health
Classification: Benign. Last evaluated: 2012-07-13. Review status: no assertion criteria provided. Collection method: research. Allele origin: germline. Affected: no. Observed: 3 variant alleles. Study: ClinSeq. Not counted in ClinVar's aggregate classification.
ClinVar note: Converted during submission from no known pathogenicity to Benign.

Clinical Genetics, Academic Medical Center
Classification: Benign. Review status: no assertion criteria provided. Collection method: clinical testing. Allele origin: germline. Affected: yes. Study: VKGL Data-share Consensus. Not counted in ClinVar's aggregate classification.

Department of Pathology and Laboratory Medicine, Sinai Health System
Classification: Benign for Carcinoma of colon. Review status: no assertion criteria provided. Collection method: clinical testing. Allele origin: unknown. Affected: yes. Study: The Canadian Open Genetics Repository (COGR). Not counted in ClinVar's aggregate classification.

Genome Diagnostics Laboratory, Amsterdam University Medical Center
Classification: Benign. Review status: no assertion criteria provided. Collection method: clinical testing. Allele origin: germline. Affected: yes. Study: VKGL Data-share Consensus. Not counted in ClinVar's aggregate classification.

Laboratory of Diagnostic Genome Analysis, Leiden University Medical Center (LUMC)
Classification: Likely benign. Review status: no assertion criteria provided. Collection method: clinical testing. Allele origin: germline. Affected: yes. Study: VKGL Data-share Consensus. Not counted in ClinVar's aggregate classification.

Literature cited by the submitters: PubMed 28526081 (cited by Quest Diagnostics Nichols Institute San Juan Capistrano and Women's Health and Genetics/Laboratory Corporation of America, LabCorp); PubMed 33471991 (cited by Quest Diagnostics Nichols Institute San Juan Capistrano); PubMed 26377631 (cited by Quest Diagnostics Nichols Institute San Juan Capistrano and Women's Health and Genetics/Laboratory Corporation of America, LabCorp); PubMed 14991577 (cited by Quest Diagnostics Nichols Institute San Juan Capistrano and Women's Health and Genetics/Laboratory Corporation of America, LabCorp); PubMed 25820570 (cited by Quest Diagnostics Nichols Institute San Juan Capistrano and Women's Health and Genetics/Laboratory Corporation of America, LabCorp); PubMed 14579148 (cited by Quest Diagnostics Nichols Institute San Juan Capistrano); PubMed 17949294 (cited by Quest Diagnostics Nichols Institute San Juan Capistrano and Women's Health and Genetics/Laboratory Corporation of America, LabCorp); PubMed 28087410 (cited by Quest Diagnostics Nichols Institute San Juan Capistrano and Women's Health and Genetics/Laboratory Corporation of America, LabCorp); PubMed 23820649 (cited by Quest Diagnostics Nichols Institute San Juan Capistrano); PubMed 21167187 (cited by Quest Diagnostics Nichols Institute San Juan Capistrano); PubMed 24728327 (cited by Women's Health and Genetics/Laboratory Corporation of America, LabCorp and ITMI).

NM_001048174.2(MUTYH):c.1517G>A (p.Arg506Gln)

Gene: MUTYH (mutY DNA glycosylase; minus strand). Cytogenetic location: 1p34.1.
Variant type: single nucleotide variant.
Coding change: c.1517G>A on transcript NM_001048174.2 (MANE Select); coding-DNA position 1517, G replaced by A.
Protein change: p.Arg506Gln; replaces arginine 506 with glutamine.
Molecular consequence: missense variant. On other transcripts: non-coding transcript variant (2).
Genome position (GRCh38, 1-based): chr1:45,329,355, C>T on the plus strand (G>A on the coding strand, the complement: MUTYH is on the minus strand). VCF-style: chr1-45329355-C-T. GRCh37 (hg19) VCF-style: chr1-45795027-C-T.
Other names: p.R534Q:CGG>CAG; c.1517G>A, p.Arg506Gln (NM_001048171.2, NM_001048173.2, NM_001293195.2); c.1520G>A, p.Arg507Gln (NM_001048172.2); c.1601G>A, p.Arg534Gln (NM_001128425.2); c.1562G>A, p.Arg521Gln (NM_001293190.2); c.1550G>A, p.Arg517Gln (NM_001293191.2); c.1241G>A, p.Arg414Gln (NM_001293192.2, NM_001293196.2); c.1172G>A, p.Arg391Gln (NM_001350650.2, NM_001350651.2); and 1 more; short protein forms R534Q, R520Q, R531Q, R414Q, R506Q, R521Q, R391Q, R517Q.
Identifiers: ClinVar variation 41757 (VCV000041757.57), dbSNP rs3219497, ClinGen allele CA011691.
Genomic context (GRCh38, chr1:45,329,355, plus strand): 5'-TTTCAGAGGTGTCACTGGGCTGCACTGTTGAGGCTGTGTGCATCAGTGGAGATGTGAGAC[C>T]GAAAGAAATTATCCAGGACTTGCTGGCCCATGCGGGGCTTTTTCCGACTGCACGGAGAGG-3'
Protein context (NP_001041639.1, residues 496-516): MGQQVLDNFF[Arg506Gln]SHISTDAHSL